The following is an entry in ClinVar:

NM_006892.4(DNMT3B):c.1900A>G (p.Lys634Glu)

Gene: DNMT3B (DNA methyltransferase 3 beta; plus strand). Cytogenetic location: 20q11.21.
Variant type: single nucleotide variant.
Coding change: c.1900A>G on transcript NM_006892.4 (MANE Select); coding-DNA position 1900, A replaced by G.
Protein change: p.Lys634Glu; replaces lysine 634 with glutamic acid.
Molecular consequence: missense variant.
Genome position (GRCh38, 1-based): chr20:32,800,293, A>G. VCF-style: chr20-32800293-A-G. GRCh37 (hg19) VCF-style: chr20-31388099-A-G.
Other names: c.1714A>G, p.Lys572Glu (NM_001207055.2); c.1612A>G, p.Lys538Glu (NM_001207056.2); c.1840A>G, p.Lys614Glu (NM_175848.2, NM_175849.2); c.1876A>G, p.Lys626Glu (NM_175850.3); short protein forms K538E, K572E, K614E, K626E, K634E.
Identifiers: ClinVar variation 1715746 (VCV001715746.5), dbSNP rs2515638510, ClinGen allele CA408588815.

ClinVar aggregate classification (germline): Uncertain significance (1 of 4 stars; one submission).

Conditions:
Centromeric instability of chromosomes 1,9 and 16 and immunodeficiency (ICF1). Also called: CENTROMERIC INSTABILITY, IMMUNODEFICIENCY SYNDROME; Immunodeficiency-centromeric instability-facial anomalies; IMMUNE DEFICIENCY, VARIABLE, WITH CENTROMERIC INSTABILITY OF CHROMOSOMES 1, 9, AND 16; IMMUNODEFICIENCY SYNDROME, VARIABLE. Identifiers: Orphanet 2268, MedGen C0398788, MONDO:0000133.

Submission:

Labcorp Genetics (formerly Invitae), Labcorp
Classification: Uncertain significance for Centromeric instability of chromosomes 1,9 and 16 and immunodeficiency. Last evaluated: 2022-08-08. Review status: criteria provided, single submitter. Criteria: Invitae Variant Classification Sherloc (09022015). Collection method: clinical testing. Allele origin: germline.
Comment: In summary, the available evidence is currently insufficient to determine the role of this variant in disease. Therefore, it has been classified as a Variant of Uncertain Significance. Algorithms developed to predict the effect of missense changes on protein structure and function output the following: SIFT: "Deleterious"; PolyPhen-2: "Benign"; Align-GVGD: "Class C15". The glutamic acid amino acid residue is found in multiple mammalian species, which suggests that this missense change does not adversely affect protein function. This variant has not been reported in the literature in individuals affected with DNMT3B-related conditions. This variant is not present in population databases (gnomAD no frequency). This sequence change replaces lysine, which is basic and polar, with glutamic acid, which is acidic and polar, at codon 634 of the DNMT3B protein (p.Lys634Glu).